The following is an entry in ClinVar:

NM_033026.6(PCLO):c.10021T>C (p.Tyr3341His)

Gene: PCLO (piccolo presynaptic cytomatrix protein; minus strand). Cytogenetic location: 7q21.11.
Variant type: single nucleotide variant.
Coding change: c.10021T>C on transcript NM_033026.6 (MANE Select); coding-DNA position 10021, T replaced by C.
Protein change: p.Tyr3341His; replaces tyrosine 3341 with histidine.
Molecular consequence: missense variant.
Genome position (GRCh38, 1-based): chr7:82,950,567, A>G on the plus strand (T>C on the coding strand, the complement: PCLO is on the minus strand). VCF-style: chr7-82950567-A-G. GRCh37 (hg19) VCF-style: chr7-82579883-A-G.
Other names: c.10021T>C, p.Tyr3341His (NM_014510.3); c.10021T>C (NM_033026.5); short protein forms Y3341H.
Identifiers: ClinVar variation 2161978 (VCV002161978.2), dbSNP rs374447208, ClinGen allele CA161141597.

ClinVar aggregate classification (germline): Uncertain significance. Review status: criteria provided, multiple submitters, no conflicts (2 of 4 stars). 2 submissions from 2 submitters: Uncertain significance (2). Last evaluated 2025-04-03.

Conditions:
Inborn genetic diseases. Identifiers: MedGen C0950123, MeSH D030342.

Allele frequency attached by ClinVar (database versions not stated): gnomAD 0.00001; ESP Exome Variant Server 0.00008; gnomAD exomes 0.00001; TOPMed 0.00003.
gnomAD v4.1: 13 of 1,613,730 alleles (0.00081%); highest among the groups gnomAD compares: African/African-American, 0.0027%; no homozygotes.

Submissions (2):

Ambry Genetics
Classification: Uncertain significance for Inborn genetic diseases. Last evaluated: 2025-04-03. Review status: criteria provided, single submitter. Criteria: Ambry Variant Classification Scheme 2023. Collection method: clinical testing. Allele origin: germline.

Labcorp Genetics (formerly Invitae), Labcorp
Classification: Uncertain significance. Last evaluated: 2022-06-10. Review status: criteria provided, single submitter. Criteria: Invitae Variant Classification Sherloc (09022015). Collection method: clinical testing. Allele origin: germline.
Comment: This sequence change replaces tyrosine, which is neutral and polar, with histidine, which is basic and polar, at codon 3341 of the PCLO protein (p.Tyr3341His). This variant is present in population databases (rs374447208, gnomAD 0.008%). This variant has not been reported in the literature in individuals affected with PCLO-related conditions. Algorithms developed to predict the effect of missense changes on protein structure and function are either unavailable or do not agree on the potential impact of this missense change (SIFT: "Deleterious"; PolyPhen-2: "Not Available"; Align-GVGD: "Class C0"). In summary, the available evidence is currently insufficient to determine the role of this variant in disease. Therefore, it has been classified as a Variant of Uncertain Significance.